The following is an entry in ClinVar:

ClinVar aggregate classification (germline): Likely benign. Review status: criteria provided, multiple submitters, no conflicts (2 of 4 stars). 5 submissions from 5 submitters: Likely benign (5). Last evaluated 2025-06-08.

Conditions:
Catecholaminergic polymorphic ventricular tachycardia 1. Also called: RYR2-Related Catecholaminergic Polymorphic Ventricular Tachycardia; VENTRICULAR TACHYCARDIA, STRESS-INDUCED POLYMORPHIC 1; VENTRICULAR TACHYCARDIA, CATECHOLAMINERGIC POLYMORPHIC, 1, WITH OR WITHOUT ATRIAL DYSFUNCTION AND/OR DILATED CARDIOMYOPATHY. Identifiers: Orphanet 3286, MedGen C1631597, MONDO:0011484, OMIM 604772.
Catecholaminergic polymorphic ventricular tachycardia (CVPT). Also called: Catecholamine-induced polymorphic ventricular tachycardia. Identifiers: Orphanet 3286, MedGen C5574922, MONDO:0017990.
Cardiovascular phenotype. Identifiers: MedGen CN230736.
Cardiomyopathy (CMYO). Also called: Cardiomyopathies. Identifiers: Orphanet 167848, MedGen C0878544, MONDO:0004994, HP:0001638. Inheritance: Various modes of inheritance.

Allele frequency attached by ClinVar (database versions not stated): ExAC 0.00001; gnomAD exomes 0.00001; TOPMed 0.00001; gnomAD 0.00002.
gnomAD v4.1: 18 of 1,613,698 alleles (0.0011%); highest among the groups gnomAD compares: African/African-American, 0.004%; no homozygotes.

Submissions (5):

Labcorp Genetics (formerly Invitae), Labcorp
Classification: Likely benign for Catecholaminergic polymorphic ventricular tachycardia 1. Last evaluated: 2025-06-08. Review status: criteria provided, single submitter. Criteria: Invitae Variant Classification Sherloc (09022015). Collection method: clinical testing. Allele origin: germline.

All of Us Research Program, National Institutes of Health
Classification: Likely benign for Catecholaminergic polymorphic ventricular tachycardia. Last evaluated: 2023-11-30. Review status: criteria provided, single submitter. Criteria: ACMG Guidelines, 2015. Collection method: clinical testing. Allele origin: germline. Inheritance: Autosomal dominant inheritance. Observed: 6 variant alleles, 6 heterozygotes.
Comment: This study involves interpretation of variants in research participants for the purpose of population health screening. Participant phenotype was not available at the time of variant classification. Additional details can be found in publication PMID: 35346344, PMCID: PMC8962531

Blueprint Genetics
Classification: Likely benign. Last evaluated: 2022-10-27. Review status: criteria provided, single submitter. Criteria: ACMG Guidelines, 2015. Collection method: clinical testing. Allele origin: germline.

Ambry Genetics
Classification: Likely benign for Cardiovascular phenotype. Last evaluated: 2021-01-01. Review status: criteria provided, single submitter. Criteria: Ambry Variant Classification Scheme 2023. Collection method: clinical testing. Allele origin: germline.

Color Diagnostics, LLC DBA Color Health
Classification: Likely benign for Cardiomyopathy. Last evaluated: 2019-12-03. Review status: criteria provided, single submitter. Criteria: ACMG Guidelines, 2015. Collection method: clinical testing. Allele origin: germline.

NM_001035.3(RYR2):c.12282C>T (p.Ile4094=)

Gene: RYR2 (ryanodine receptor 2; plus strand). Cytogenetic location: 1q43.
Variant type: single nucleotide variant.
Coding change: c.12282C>T on transcript NM_001035.3 (MANE Select); coding-DNA position 12282, C replaced by T.
Protein change: p.Ile4094=; no amino-acid change (isoleucine 4094 retained).
Molecular consequence: synonymous variant.
Genome position (GRCh38, 1-based): chr1:237,783,994, C>T. VCF-style: chr1-237783994-C-T. GRCh37 (hg19) VCF-style: chr1-237947294-C-T.
Other names: c.12282C>T (NM_001035.2).
Identifiers: ClinVar variation 927428 (VCV000927428.15), dbSNP rs764339831, ClinGen allele CA085162.
Genomic context (GRCh38, chr1:237,783,994, plus strand): 5'-GAATGAAACCCTCGACTACGAAGAGTTCGTCAAACGCTTCCACGAACCTGCGAAGGACAT[C>T]GGCTTCAACGTCGCCGTCCTTCTGACAAACCTCTCTGAGCACATGCCCAACGATACCCGA-3'
Protein context (NP_001026.2, residues 4084-4104): VKRFHEPAKD[Ile4094=]GFNVAVLLTN